The following is an entry in ClinVar:

NM_001038.6(SCNN1A):c.652GACTGGAAG[1] (p.218DWK[1])

Gene: SCNN1A (sodium channel epithelial 1 subunit alpha; minus strand). Cytogenetic location: 12p13.31.
Variant type: Microsatellite.
Coding change: c.652GACTGGAAG[1] on transcript NM_001038.6 (MANE Select); one copy of the 9-base unit GACTGGAAG starting at c.652; the reference has two copies in a row; one copy, 9 bases deleted; also written c.661_669del.
Protein change: p.218DWK[1].
Genome position (GRCh38, 1-based): chr12:6,363,458-6,363,466, CTTCCAGTC deleted on the plus strand (GACTGGAAG on the coding strand, the reverse complement: SCNN1A is on the minus strand); deleting any 9 consecutive bases within chr12:6,363,458-6,363,476 gives the same sequence; the position shown is the placement nearest the transcript's 3' end. VCF-style (leftmost placement, unchanged base first): chr12-6363457-TCTTCCAGTC-T. GRCh37 (hg19) VCF-style: chr12-6472623-TCTTCCAGTC-T.
Other names: p.Asp221_Lys223del; c.721GACTGGAAG[1], p.241DWK[1] (NM_001159575.2); c.829GACTGGAAG[1], p.277DWK[1] (NM_001159576.2); c.661_669del (NM_001038.6).
Identifiers: ClinVar variation 2683184 (VCV002683184.1), dbSNP rs1290235475, ClinGen allele CA603483504.

ClinVar aggregate classification (germline): Uncertain significance (1 of 4 stars; one submission).

Submission:

Mayo Clinic Laboratories, Mayo Clinic
Classification: Uncertain significance. Last evaluated: 2023-06-09. Review status: criteria provided, single submitter. Criteria: ACMG Guidelines, 2015. Collection method: clinical testing. Allele origin: germline. Observed: 1 variant allele.
Comment: PM2_supporting, PM4